The following is an entry in ClinVar:

ClinVar aggregate classification (germline): Uncertain significance (1 of 4 stars; one submission).

gnomAD v4.1: 3 of 1,613,894 alleles (0.00019%); highest among the groups gnomAD compares: South Asian, 0.0011%; no homozygotes.

Submission:

Kariminejad - Najmabadi Pathology & Genetics Center
Classification: Uncertain significance. Last evaluated: 2020-02-25. Review status: criteria provided, single submitter. Criteria: ACMG Guidelines, 2015. Collection method: clinical testing. Allele origin: germline. Inheritance: Autosomal dominant inheritance. Affected: yes.
Comment: PM2, PP3, BP1

NM_001267550.2(TTN):c.103858C>T (p.Arg34620Cys)

Genes: TTN (titin; minus strand), TTN-AS1 (TTN antisense RNA 1; plus strand). Cytogenetic location: 2q31.2.
Variant type: single nucleotide variant.
Coding change: c.103858C>T on transcript NM_001267550.2 (MANE Select); coding-DNA position 103858, C replaced by T.
Protein change: p.Arg34620Cys; replaces arginine 34620 with cysteine.
Molecular consequence: missense variant.
Genome position (GRCh38, 1-based): chr2:178,532,757, G>A on the plus strand (C>T on the coding strand, the complement: TTN is on the minus strand). VCF-style: chr2-178532757-G-A. GRCh37 (hg19) VCF-style: chr2-179397484-G-A.
Other names: c.98935C>T, p.Arg32979Cys (NM_001256850.1); c.76663C>T, p.Arg25555Cys (NM_003319.4); c.96154C>T, p.Arg32052Cys (NM_133378.4); c.77038C>T, p.Arg25680Cys (NM_133432.3); c.77239C>T, p.Arg25747Cys (NM_133437.4); short protein forms R25555C, R25680C, R25747C, R32052C, R32979C, R34620C.
Identifiers: ClinVar variation 3897048 (VCV003897048.1).